The following is an entry in ClinVar:

ClinVar aggregate classification (germline): Uncertain significance (1 of 4 stars; one submission).

Conditions:
Retinitis pigmentosa 12 (RP12). Also called: RP WITH OR WITHOUT PPRPE; RP WITH OR WITHOUT PRESERVED PARAARTERIOLE RETINAL PIGMENT EPITHELIUM; RETINITIS PIGMENTOSA WITH OR WITHOUT PARAARTERIOLAR PRESERVATION OF RETINAL PIGMENT EPITHELIUM. Identifiers: Orphanet 791, MedGen C1838647, MONDO:0010818, OMIM 600105.
Leber congenital amaurosis 8 (LCA8). Identifiers: Orphanet 65, MedGen C3151202, MONDO:0013453, OMIM 613835.

Allele frequency attached by ClinVar (database versions not stated): ExAC 0.00001; gnomAD 0.00001.
gnomAD v4.1: 9 of 1,613,816 alleles (0.00056%); highest among the groups gnomAD compares: Admixed American, 0.012%; no homozygotes.

Submission:

Labcorp Genetics (formerly Invitae), Labcorp
Classification: Uncertain significance for Leber congenital amaurosis 8; Retinitis pigmentosa 12. Last evaluated: 2022-08-05. Review status: criteria provided, single submitter. Criteria: Invitae Variant Classification Sherloc (09022015). Collection method: clinical testing. Allele origin: germline.
Comment: This sequence change replaces asparagine, which is neutral and polar, with lysine, which is basic and polar, at codon 778 of the CRB1 protein (p.Asn778Lys). This variant is present in population databases (rs765210114, gnomAD 0.01%). This variant has not been reported in the literature in individuals affected with CRB1-related conditions. Advanced modeling of protein sequence and biophysical properties (such as structural, functional, and spatial information, amino acid conservation, physicochemical variation, residue mobility, and thermodynamic stability) performed at Invitae indicates that this missense variant is not expected to disrupt CRB1 protein function. In summary, the available evidence is currently insufficient to determine the role of this variant in disease. Therefore, it has been classified as a Variant of Uncertain Significance.

NM_201253.3(CRB1):c.2334C>G (p.Asn778Lys)

Gene: CRB1 (crumbs cell polarity complex component 1; plus strand). Cytogenetic location: 1q31.3.
Variant type: single nucleotide variant.
Coding change: c.2334C>G on transcript NM_201253.3 (MANE Select); coding-DNA position 2334, C replaced by G.
Protein change: p.Asn778Lys; replaces asparagine 778 with lysine.
Molecular consequence: missense variant. On other transcripts: non-coding transcript variant (2), intron variant (1).
Genome position (GRCh38, 1-based): chr1:197,427,659, C>G. VCF-style: chr1-197427659-C-G. GRCh37 (hg19) VCF-style: chr1-197396789-C-G.
Other names: c.1998C>G, p.Asn666Lys (NM_001193640.2); c.2127C>G, p.Asn709Lys (NM_001257965.2); c.2128+5703C>G (NM_001257966.2); short protein forms N666K, N709K, N778K.
Identifiers: ClinVar variation 2144414 (VCV002144414.1), dbSNP rs765210114, ClinGen allele CA1312104.